The following is an entry in ClinVar:

ClinVar aggregate classification (germline): Pathogenic/Likely pathogenic. Review status: criteria provided, multiple submitters, no conflicts (2 of 4 stars). 14 submissions from 13 submitters: Pathogenic (11); Likely pathogenic (1). 2 of the submissions do not count toward it. Last evaluated 2026-02-23.

Conditions:
RDH12-related disorder. Also called: RDH12-related disorders; RDH12-related condition.
Retinal dystrophy. Also called: Inherited retinal dystrophy. Identifiers: Orphanet 71862, MedGen C0854723, MeSH D058499, MONDO:0019118, HP:0000556.
Leber congenital amaurosis (LCA). Also called: Leber's amaurosis. Identifiers: Orphanet 65, MedGen C0339527, MeSH D057130, MONDO:0018998.
Cone-rod dystrophy. Also called: Cone/cone-rod dystrophy; Cone-rod degeneration. Identifiers: Orphanet 1872, MedGen C4085590, MONDO:0015993, HP:0000548.
Leber congenital amaurosis 13 (LCA13). Identifiers: MedGen C2675186, MONDO:0012990, OMIM 612712.

Allele frequency attached by ClinVar (database versions not stated): ExAC 0.00001; gnomAD 0.00001; TOPMed 0.00001; gnomAD exomes 0.00002.
gnomAD v4.1: 27 of 1,612,662 alleles (0.0017%); highest among the groups gnomAD compares: Admixed American, 0.0033%; no homozygotes.

Submissions (14):

Women's Health and Genetics/Laboratory Corporation of America, LabCorp
Classification: Pathogenic for Leber congenital amaurosis. Last evaluated: 2026-02-23. Review status: criteria provided, single submitter. Criteria: LabCorp Variant Classification Summary - May 2015. Collection method: clinical testing. Allele origin: germline.
Comment: Variant summary: RDH12 c.464C>T (p.Thr155Ile) results in a non-conservative amino acid change in the encoded protein sequence. Algorithms developed to predict the effect of missense changes on protein structure and function all suggest that this variant is likely to be disruptive. The variant allele was found at a frequency of 2e-05 in 251352 control chromosomes (gnomAD). c.464C>T has been observed in multiple individuals affected with autosomal recessive retinal dystrophy (e.g. Thompson_2005, Bravo-Gil_2017). These data indicate that the variant is very likely to be associated with disease. At least one publication reports experimental evidence evaluating an impact on protein function. The most pronounced variant effect results in <10% of normal activity (Thompson_2005). The following publications have been ascertained in the context of this evaluation (PMID: 16269441, 28157192). ClinVar contains an entry for this variant (Variation ID: 2059). Based on the evidence outlined above, the variant was classified as pathogenic.

Labcorp Genetics (formerly Invitae), Labcorp
Classification: Pathogenic for Leber congenital amaurosis 13. Last evaluated: 2026-01-26. Review status: criteria provided, single submitter. Criteria: Invitae Variant Classification Sherloc (09022015). Collection method: clinical testing. Allele origin: germline.
Comment: This sequence change replaces threonine, which is neutral and polar, with isoleucine, which is neutral and non-polar, at codon 155 of the RDH12 protein (p.Thr155Ile). This variant is present in population databases (rs121434337, gnomAD 0.004%). This missense change has been observed in individuals with autosomal recessive retinal dystrophy (PMID: 16269441, 28157192, 30134391). ClinVar contains an entry for this variant (Variation ID: 2059). Invitae Evidence Modeling of protein sequence and biophysical properties (such as structural, functional, and spatial information, amino acid conservation, physicochemical variation, residue mobility, and thermodynamic stability) has been performed for this missense variant. However, the output from this modeling did not meet the statistical confidence thresholds required to predict the impact of this variant on RDH12 protein function. Experimental studies have shown that this missense change affects RDH12 function (PMID: 16269441). For these reasons, this variant has been classified as Pathogenic.

Natera, Inc.
Classification: Pathogenic for Leber congenital amaurosis. Last evaluated: 2025-12-08. Review status: criteria provided, single submitter. Criteria: Natera Variant Classification Schema (03/2026). Collection method: clinical testing. Allele origin: germline.
Comment: The c.464C>T variant in RDH12 is a missense variant predicted to cause substitution of threonine to isoleucine at amino acid 155. This variant is rare in the general population with a frequency below the threshold expected for the associated phenotype(s). This variant has been observed in one or more individuals affected with the associated recessive disease, as either homozygous or compound heterozygous with a second variant (PMID: 17389517, 24625443, 30134391, 35994252). Functional studies show that this variant may disrupt protein function (PMID: 16269441). Computational prediction algorithms indicate this variant is likely to affect gene or protein function. Given the available evidence, this variant is classified as Pathogenic.

Fulgent Genetics
Classification: Likely pathogenic for Leber congenital amaurosis 13. Last evaluated: 2024-06-19. Review status: criteria provided, single submitter. Criteria: ACMG Guidelines, 2015. Collection method: clinical testing. Allele origin: germline.

Ophthalmic Genetics Group, Institute of Molecular and Clinical Ophthalmology Basel
Classification: Pathogenic for Leber congenital amaurosis. Last evaluated: 2023-07-24. Review status: criteria provided, single submitter. Criteria: ACMG Guidelines, 2015. Collection method: research. Allele origin: germline. Affected: yes. Observed: 4 variant alleles.
Comment: Clinical significance based on ACMG v2.0

This variant was classified as Pathogenic based on ACMG criteria: PP5, PP3, PM2, PP2.

Ophthalmic Genetics Group, Institute of Molecular and Clinical Ophthalmology Basel
Classification: Pathogenic for Cone-rod dystrophy. Last evaluated: 2023-07-24. Review status: criteria provided, single submitter. Criteria: ACMG Guidelines, 2015. Collection method: research. Allele origin: germline. Affected: yes. Observed: 2 variant alleles.
Comment: the same text as in the submission from Ophthalmic Genetics Group, Institute of Molecular and Clinical Ophthalmology Basel above.

Mendelics
Classification: Pathogenic for Leber congenital amaurosis 13. Last evaluated: 2022-05-04. Review status: criteria provided, single submitter. Criteria: Mendelics Assertion Criteria 2019. Collection method: clinical testing. Allele origin: germline.

Institute of Human Genetics, Univ. Regensburg, Univ. Regensburg
Classification: Pathogenic for Retinal dystrophy. Last evaluated: 2022-01-01. Review status: criteria provided, single submitter. Criteria: ACMG Guidelines, 2015. Collection method: clinical testing. Allele origin: germline. Affected: yes.

Centre of Medical Genetics, University Hospital Muenster
Classification: Pathogenic. Last evaluated: 2021-10-26. Review status: criteria provided, single submitter. Criteria: ACMG Guidelines, 2015. Collection method: clinical testing. Allele origin: unknown. Affected: yes. Observed: 1 variant allele, 1 homozygote.
Comment: ACMG categories: PS1,PM2,PM7,PP3,PP5

Blueprint Genetics
Classification: Pathogenic for RDH12-related disorders. Last evaluated: 2021-09-17. Review status: criteria provided, single submitter. Criteria: ACMG Guidelines, 2015. Collection method: clinical testing. Allele origin: germline. Affected: yes. Observed: 4 variant alleles.

Centre for Mendelian Genomics, University Medical Centre Ljubljana
Classification: Pathogenic for Leber congenital amaurosis 13. Last evaluated: 2018-10-11. Review status: criteria provided, single submitter. Criteria: ACMG Guidelines, 2015. Collection method: clinical testing. Allele origin: unknown. Affected: yes.
Comment: This variant was classified as: Pathogenic. The following ACMG criteria were applied in classifying this variant: PS1,PS3,PM2,PP3.

CeGaT Center for Human Genetics Tuebingen
Classification: Pathogenic. Last evaluated: 2018-04-01. Review status: criteria provided, single submitter. Criteria: CeGaT Center For Human Genetics Tuebingen Variant Classification Criteria Version 2. Collection method: clinical testing. Allele origin: germline. Affected: yes. Observed: 1 variant allele.

OMIM
Classification: Pathogenic for LEBER CONGENITAL AMAUROSIS 13. Last evaluated: 2005-12-15. Review status: no assertion criteria provided. Collection method: literature only. Allele origin: germline. Not counted in ClinVar's aggregate classification.

Laboratory of Genetics in Ophthalmology, Institut Imagine
Classification: Pathogenic for Leber congenital amaurosis 13. Review status: no assertion criteria provided. Collection method: research. Allele origin: inherited. Affected: yes. Observed: 2 variant alleles. Not counted in ClinVar's aggregate classification.

Literature cited by the submitters: PubMed 16269441 (cited by 6 submitters); PubMed 28157192 (cited by 3 submitters); PubMed 30134391 (cited by 3 submitters); PubMed 17389517 (cited by Natera, Inc.); PubMed 24625443 (cited by Natera, Inc.); PubMed 35994252 (cited by Natera, Inc.); PubMed 36909829 (cited by Ophthalmic Genetics Group, Institute of Molecular and Clinical Ophthalmology Basel); PubMed 31589614 (cited by Institute of Human Genetics, Univ. Regensburg, Univ. Regensburg); PubMed 31964843 (cited by Institute of Human Genetics, Univ. Regensburg, Univ. Regensburg); PubMed 32531858 (cited by Institute of Human Genetics, Univ. Regensburg, Univ. Regensburg); PubMed 34315337 (cited by Institute of Human Genetics, Univ. Regensburg, Univ. Regensburg); PubMed 36819107 (cited by Institute of Human Genetics, Univ. Regensburg, Univ. Regensburg).

NM_152443.3(RDH12):c.464C>T (p.Thr155Ile)

Genes: GPHN (gephyrin; plus strand), RDH12 (retinol dehydrogenase 12; plus strand). Cytogenetic location: 14q24.1.
Variant type: single nucleotide variant.
Coding change: c.464C>T on transcript NM_152443.3 (MANE Select); coding-DNA position 464, C replaced by T.
Protein change: p.Thr155Ile; replaces threonine 155 with isoleucine.
Molecular consequence: missense variant.
Genome position (GRCh38, 1-based): chr14:67,726,996, C>T. VCF-style: chr14-67726996-C-T. GRCh37 (hg19) VCF-style: chr14-68193713-C-T.
Other names: NP_689656.2:p.(Thr155Ile); short protein forms T155I.
Identifiers: ClinVar variation 2059 (VCV000002059.64), dbSNP rs121434337, ClinGen allele CA252092.